The following is an entry in ClinVar:

ClinVar aggregate classification (germline): Uncertain significance (1 of 4 stars; one submission).

Conditions:
Mendelian susceptibility to mycobacterial diseases due to complete ISG15 deficiency. Also called: IMMUNODEFICIENCY 38, MYCOBACTERIOSIS, AUTOSOMAL RECESSIVE; ISG15 DEFICIENCY, AUTOSOMAL RECESSIVE; Immunodeficiency 38 with basal ganglia calcification; Immunodeficiency 38. Identifiers: Orphanet 319563, MedGen C4015293, MONDO:0014502, OMIM 616126.

Submission:

Labcorp Genetics (formerly Invitae), Labcorp
Classification: Uncertain significance for Mendelian susceptibility to mycobacterial diseases due to complete ISG15 deficiency. Last evaluated: 2020-03-22. Review status: criteria provided, single submitter. Criteria: Invitae Variant Classification Sherloc (09022015). Collection method: clinical testing. Allele origin: germline.
Comment: This variant, c.482_483insCGTGCC, results in the insertion of 2 amino acid(s) to the ISG15 protein (p.Pro161_Gly162insValPro), but otherwise preserves the integrity of the reading frame. This variant is present in population databases (rs747304757, ExAC 0.07%). This variant has not been reported in the literature in individuals with ISG15-related conditions. Experimental studies and prediction algorithms are not available or were not evaluated, and the functional significance of this variant is currently unknown. In summary, the available evidence is currently insufficient to determine the role of this variant in disease. Therefore, it has been classified as a Variant of Uncertain Significance.

NM_005101.4(ISG15):c.482_483insCGTGCC (p.Pro161_Gly162insValPro)

Gene: ISG15 (ISG15 ubiquitin like modifier; plus strand). Cytogenetic location: 1p36.33.
Variant type: Insertion.
Coding change: c.482_483insCGTGCC on transcript NM_005101.4 (MANE Select); coding-DNA positions 482 to 483, CGTGCC inserted.
Protein change: p.Pro161_Gly162insValPro.
Molecular consequence: inframe insertion.
Genome position: GRCh38 VCF-style: chr1-1014459-A-AGCCCGT. GRCh37 (hg19) VCF-style: chr1-949839-A-AGCCCGT.
Identifiers: ClinVar variation 1038082 (VCV001038082.8), dbSNP rs747304757, ClinGen allele CA507727.